The following is an entry in ClinVar:

NM_001134665.3(TRMT10A):c.348+1G>T

Gene: TRMT10A (tRNA methyltransferase 10A; minus strand). Cytogenetic location: 4q23.
Variant type: single nucleotide variant.
Coding change: c.348+1G>T on transcript NM_001134665.3 (MANE Select); the canonical splice donor site of the intron after coding-DNA position 348, G replaced by T.
Molecular consequence: splice donor variant.
Genome position (GRCh38, 1-based): chr4:99,558,048, C>A on the plus strand (G>T on the coding strand, the complement: TRMT10A is on the minus strand). VCF-style: chr4-99558048-C-A. GRCh37 (hg19) VCF-style: chr4-100479205-C-A.
Other names: c.348+1G>T (NM_001134666.3, NM_001375882.1, NM_001375881.1 and 2 more transcripts).
Identifiers: ClinVar variation 2837642 (VCV002837642.3), dbSNP rs2476027523, ClinGen allele CA357511789.

ClinVar aggregate classification (germline): Likely pathogenic (1 of 4 stars; one submission).

Submission:

Labcorp Genetics (formerly Invitae), Labcorp
Classification: Likely pathogenic. Last evaluated: 2025-09-02. Review status: criteria provided, single submitter. Criteria: Invitae Variant Classification Sherloc (09022015). Collection method: clinical testing. Allele origin: germline.
Comment: This sequence change affects a donor splice site in intron 3 of the TRMT10A gene. It is expected to disrupt RNA splicing. Variants that disrupt the donor or acceptor splice site typically lead to a loss of protein function (PMID: 16199547), and loss-of-function variants in TRMT10A are known to be pathogenic (PMID: 24204302, 26535115). This variant is not present in population databases (gnomAD no frequency). This variant has not been reported in the literature in individuals affected with TRMT10A-related conditions. ClinVar contains an entry for this variant (Variation ID: 2837642). Algorithms developed to predict the effect of sequence changes on RNA splicing suggest that this variant may disrupt the consensus splice site. In summary, the currently available evidence indicates that the variant is pathogenic, but additional data are needed to prove that conclusively. Therefore, this variant has been classified as Likely Pathogenic.

Literature cited by the submitters: PubMed 16199547; PubMed 24204302; PubMed 26535115.